The following is an entry in ClinVar:

ClinVar aggregate classification (germline): Uncertain significance. Review status: criteria provided, multiple submitters, no conflicts (2 of 4 stars). 2 submissions from 2 submitters: Uncertain significance (2). Last evaluated 2025-12-11.

Conditions:
Inborn genetic diseases. Identifiers: MedGen C0950123, MeSH D030342.

gnomAD v4.1: 4 of 1,614,152 alleles (0.00025%); highest among the groups gnomAD compares: East Asian, 0.0089%; no homozygotes.

Submissions (2):

Labcorp Genetics (formerly Invitae), Labcorp
Classification: Uncertain significance. Last evaluated: 2025-12-11. Review status: criteria provided, single submitter. Criteria: Invitae Variant Classification Sherloc (09022015). Collection method: clinical testing. Allele origin: germline.
Comment: This sequence change replaces alanine, which is neutral and non-polar, with valine, which is neutral and non-polar, at codon 2513 of the COL7A1 protein (p.Ala2513Val). This variant is present in population databases (no rsID available, gnomAD 0.006%). This variant has not been reported in the literature in individuals affected with COL7A1-related conditions. ClinVar contains an entry for this variant (Variation ID: 3268861). Invitae Evidence Modeling of protein sequence and biophysical properties (such as structural, functional, and spatial information, amino acid conservation, physicochemical variation, residue mobility, and thermodynamic stability) indicates that this missense variant is not expected to disrupt COL7A1 protein function with a negative predictive value of 95%. Algorithms developed to predict the effect of sequence changes on RNA splicing suggest that this variant may disrupt the consensus splice site. In summary, the available evidence is currently insufficient to determine the role of this variant in disease. Therefore, it has been classified as a Variant of Uncertain Significance.

Ambry Genetics
Classification: Uncertain significance for Inborn genetic diseases. Last evaluated: 2024-05-13. Review status: criteria provided, single submitter. Criteria: Ambry Variant Classification Scheme 2023. Collection method: clinical testing. Allele origin: germline.

NM_000094.4(COL7A1):c.7538C>T (p.Ala2513Val)

Gene: COL7A1 (collagen type VII alpha 1 chain; minus strand). Cytogenetic location: 3p21.31.
Variant type: single nucleotide variant.
Coding change: c.7538C>T on transcript NM_000094.4 (MANE Select); coding-DNA position 7538, C replaced by T.
Protein change: p.Ala2513Val; replaces alanine 2513 with valine.
Molecular consequence: missense variant.
Genome position (GRCh38, 1-based): chr3:48,569,744, G>A on the plus strand (C>T on the coding strand, the complement: COL7A1 is on the minus strand). VCF-style: chr3-48569744-G-A. GRCh37 (hg19) VCF-style: chr3-48607177-G-A.
Other names: short protein forms A2513V.
Identifiers: ClinVar variation 3268861 (VCV003268861.3).